The following is an entry in ClinVar:

ClinVar aggregate classification (germline): Uncertain significance (1 of 4 stars; one submission).

Submission:

GeneDx
Classification: Uncertain significance. Last evaluated: 2024-12-08. Review status: criteria provided, single submitter. Criteria: GeneDx Variant Classification Process June 2021. Collection method: clinical testing. Allele origin: germline. Affected: yes.
Comment: Not observed at significant frequency in large population cohorts (gnomAD); In silico analysis indicates that this missense variant does not alter protein structure/function; Has not been previously published as pathogenic or benign to our knowledge

NM_006734.4(HIVEP2):c.2567G>A (p.Gly856Asp)

Gene: HIVEP2 (HIVEP zinc finger 2; minus strand). Cytogenetic location: 6q24.2.
Variant type: single nucleotide variant.
Coding change: c.2567G>A on transcript NM_006734.4 (MANE Select); coding-DNA position 2567, G replaced by A.
Protein change: p.Gly856Asp; replaces glycine 856 with aspartic acid.
Molecular consequence: missense variant.
Genome position (GRCh38, 1-based): chr6:142,772,172, C>T on the plus strand (G>A on the coding strand, the complement: HIVEP2 is on the minus strand). VCF-style: chr6-142772172-C-T. GRCh37 (hg19) VCF-style: chr6-143093309-C-T.
Other names: short protein forms G856D.
Identifiers: ClinVar variation 3903316 (VCV003903316.1).